The following is an entry in ClinVar:

NM_003105.6(SORL1):c.3261C>G (p.Asn1087Lys)

Genes: SORL1 (sortilin related receptor 1; plus strand), LOC130006953 (ATAC-STARR-seq lymphoblastoid active region 5661; plus strand). Cytogenetic location: 11q24.1.
Variant type: single nucleotide variant.
Coding change: c.3261C>G on transcript NM_003105.6 (MANE Select); coding-DNA position 3261, C replaced by G.
Protein change: p.Asn1087Lys; replaces asparagine 1087 with lysine.
Molecular consequence: missense variant.
Genome position (GRCh38, 1-based): chr11:121,570,194, C>G. VCF-style: chr11-121570194-C-G. GRCh37 (hg19) VCF-style: chr11-121440903-C-G.
Other names: short protein forms N1087K.
Identifiers: ClinVar variation 1320786 (VCV001320786.2), dbSNP rs114921128, ClinGen allele CA383038580.

ClinVar aggregate classification (germline): Uncertain significance (1 of 4 stars; one submission).

gnomAD v4.1: 1 of 1,613,800 alleles (0.000062%); highest among the groups gnomAD compares: Admixed American, 0.0017%; no homozygotes.

Submission:

GeneDx
Classification: Uncertain significance. Last evaluated: 2020-04-28. Review status: criteria provided, single submitter. Criteria: GeneDx Variant Classification Process June 2021. Collection method: clinical testing. Allele origin: germline. Affected: yes.
Comment: Not observed in large population cohorts (Lek et al., 2016); In silico analysis, which includes protein predictors and evolutionary conservation, supports a deleterious effect; Has not been previously published as pathogenic or benign to our knowledge